The following is an entry in ClinVar:

ClinVar aggregate classification (germline): Uncertain significance (1 of 4 stars; one submission).

gnomAD v4.1: 2 of 1,600,844 alleles (0.00012%); highest among the groups gnomAD compares: Admixed American, 0.0017%; no homozygotes.

Submission:

Labcorp Genetics (formerly Invitae), Labcorp
Classification: Uncertain significance. Last evaluated: 2024-09-06. Review status: criteria provided, single submitter. Criteria: Invitae Variant Classification Sherloc (09022015). Collection method: clinical testing. Allele origin: germline.
Comment: This sequence change falls in intron 25 of the CHD8 gene. It does not directly change the encoded amino acid sequence of the CHD8 protein. It affects a nucleotide within the consensus splice site. This variant is not present in population databases (gnomAD no frequency). This variant has not been reported in the literature in individuals affected with CHD8-related conditions. ClinVar contains an entry for this variant (Variation ID: 1902367). Variants that disrupt the consensus splice site are a relatively common cause of aberrant splicing (PMID: 17576681, 9536098). Algorithms developed to predict the effect of sequence changes on RNA splicing suggest that this variant may disrupt the consensus splice site. In summary, the available evidence is currently insufficient to determine the role of this variant in disease. Therefore, it has been classified as a Variant of Uncertain Significance.

Literature cited by the submitters: PubMed 17576681; PubMed 9536098.

NM_001170629.2(CHD8):c.4921+5G>T

Gene: CHD8 (chromodomain helicase DNA binding protein 8; minus strand). Cytogenetic location: 14q11.2.
Variant type: single nucleotide variant.
Coding change: c.4921+5G>T on transcript NM_001170629.2 (MANE Select); 5 bases into the intron after coding-DNA position 4921, G replaced by T.
Molecular consequence: intron variant.
Genome position (GRCh38, 1-based): chr14:21,399,597, C>A on the plus strand (G>T on the coding strand, the complement: CHD8 is on the minus strand). VCF-style: chr14-21399597-C-A. GRCh37 (hg19) VCF-style: chr14-21867756-C-A.
Other names: c.4084+5G>T (NM_020920.4).
Identifiers: ClinVar variation 1902367 (VCV001902367.5), dbSNP rs377595194, ClinGen allele CA2580087827.
Genomic context (GRCh38, chr14:21,399,597, plus strand): 5'-TAAATGTTCCATCCGTGAACATAAATCTTCAGTCGGAAAGGAGTAGAATAGGAGAAGATA[C>A]GTACCATGTTTAAAGACTCCAATGAGCAGCGACTTGTCAGCCTCACTGTCCCACCAAGTT-3'